The following is an entry in ClinVar:

ClinVar aggregate classification (germline): Uncertain significance (1 of 4 stars; one submission).

Submission:

GeneDx
Classification: Uncertain significance. Last evaluated: 2023-11-07. Review status: criteria provided, single submitter. Criteria: GeneDx Variant Classification Process June 2021. Collection method: clinical testing. Allele origin: germline. Affected: yes.
Comment: Not observed at significant frequency in large population cohorts (gnomAD); Frameshift variant predicted to result in protein truncation or nonsense mediated decay in a gene or region of a gene for which loss of function is not a well-established mechanism of disease; Has not been previously published as pathogenic or benign to our knowledge

NM_015267.4(CUX2):c.2321del (p.Lys774fs)

Gene: CUX2 (cut like homeobox 2; plus strand). Cytogenetic location: 12q24.12.
Variant type: Deletion.
Coding change: c.2321del on transcript NM_015267.4 (MANE Select); coding-DNA position 2321, one base deleted (A; older notation c.2321delA).
Protein change: p.Lys774fs; shifts the reading frame from lysine 774.
Molecular consequence: frameshift variant.
Genome position (GRCh38, 1-based): chr12:111,320,330, A deleted; the last of 2 consecutive A bases (chr12:111,320,329-111,320,330); deleting either gives the same sequence. VCF-style (leftmost placement, unchanged base first): chr12-111320328-CA-C. GRCh37 (hg19) VCF-style: chr12-111758132-CA-C.
Other names: c.2135del, p.Lys712fs (NM_001370598.1); short protein forms K712fs, K774fs.
Identifiers: ClinVar variation 3363787 (VCV003363787.1).